The following is an entry in ClinVar:

ClinVar aggregate classification (germline): Pathogenic. Review status: criteria provided, multiple submitters, no conflicts (2 of 4 stars). 4 submissions from 4 submitters: Pathogenic (4). Last evaluated 2025-08-14.

Conditions:
Familial melanoma. Also called: Hereditary melanoma; Hereditary cutaneous melanoma. Identifiers: Orphanet 618, MedGen C1512419, MONDO:0018961.
Melanoma-pancreatic cancer syndrome. Identifiers: Orphanet 404560, MedGen C1838547, MONDO:0011713, OMIM 606719. Disease mechanism: loss of function.
Hereditary cancer-predisposing syndrome. Also called: Tumor predisposition; Hereditary Cancer Syndrome; Hereditary neoplastic syndrome; Neoplastic Syndromes, Hereditary. Identifiers: Orphanet 140162, MedGen C0027672, MeSH D009386, MONDO:0015356.

Allele frequency attached by ClinVar (database versions not stated): gnomAD exomes below 0.00001.

Submissions (4):

Myriad Genetics, Inc.
Classification: Pathogenic for Melanoma-pancreatic cancer syndrome. Last evaluated: 2025-08-14. Review status: criteria provided, single submitter. Criteria: Myriad Autosomal Dominant, Autosomal Recessive and X-Linked Classification Criteria (2023). Collection method: clinical testing. Allele origin: unknown.
Comment: This variant is considered pathogenic. This variant creates a termination codon and is predicted to result in premature protein truncation.

Ambry Genetics
Classification: Pathogenic for Hereditary cancer-predisposing syndrome. Last evaluated: 2024-01-23. Review status: criteria provided, single submitter. Criteria: Ambry Variant Classification Scheme 2023. Collection method: clinical testing. Allele origin: germline.
Comment: The c.132delC pathogenic mutation, located in coding exon 1 of the CDKN2A gene, results from a deletion of one nucleotide at nucleotide position 132, causing a translational frameshift with a predicted alternate stop codon (p.Y44*). This mutation and others causing protein truncation at the same position have been identified in families with multiple melanomas and pancreatic cancer (MacKie RM et al. J. Invest. Dermatol., 1998 Aug;111:269-72; Orlow I et al. J. Invest. Dermatol., 2007 May;127:1234-43; Soura E et al. J. Am. Acad. Dermatol., 2016 Mar;74:395-407; quiz 408-10). In addition to the clinical data presented in the literature, this alteration is expected to result in loss of function by premature protein truncation or nonsense-mediated mRNA decay. As such, this alteration is interpreted as a disease-causing mutation.

Labcorp Genetics (formerly Invitae), Labcorp
Classification: Pathogenic for Familial melanoma. Last evaluated: 2023-08-11. Review status: criteria provided, single submitter. Criteria: Invitae Variant Classification Sherloc (09022015). Collection method: clinical testing. Allele origin: germline.
Comment: This premature translational stop signal has been observed in individual(s) with melanoma and pancreatic cancer (PMID: 18363633, 26892650). This variant is not present in population databases (gnomAD no frequency). This sequence change creates a premature translational stop signal (p.Tyr44*) in the CDKN2A (p16INK4a) gene. It is expected to result in an absent or disrupted protein product. Loss-of-function variants in CDKN2A (p16INK4a) are known to be pathogenic (PMID: 15146471, 16905682). ClinVar contains an entry for this variant (Variation ID: 429111). For these reasons, this variant has been classified as Pathogenic.

Color Diagnostics, LLC DBA Color Health
Classification: Pathogenic for Hereditary cancer-predisposing syndrome. Last evaluated: 2019-12-14. Review status: criteria provided, single submitter. Criteria: ACMG Guidelines, 2015. Collection method: clinical testing. Allele origin: germline.
Comment: This variant deletes 1 nucleotide in exon 1 of the CDKN2A gene, creating a frameshift and premature translation stop signal. This variant is expected to result in an absent or non-functional protein product. Splice site prediction tools suggest that this variant may not impact RNA splicing. To our knowledge, functional studies have not been performed for this variant. This variant has been observed in two individuals who each had two or more primary melanomas (PMID: 18363633, 26892650) and in the mother of one proband who was affected with pancreatic cancer (PMID: 26892650). This variant has not been identified in the general population by the Genome Aggregation Database (gnomAD). Loss of CDKN2A function is a known mechanism of disease. Based on the available evidence, this variant is classified as Pathogenic.

Literature cited by the submitters: PubMed 17218939 (cited by Ambry Genetics); PubMed 26892650 (cited by Ambry Genetics and Labcorp Genetics (formerly Invitae), Labcorp); PubMed 9699728 (cited by Ambry Genetics); PubMed 18363633 (cited by Labcorp Genetics (formerly Invitae), Labcorp); PubMed 15146471 (cited by Labcorp Genetics (formerly Invitae), Labcorp); PubMed 16905682 (cited by Labcorp Genetics (formerly Invitae), Labcorp).

NM_000077.5(CDKN2A):c.132del (p.Ser43_Tyr44insTer)

Gene: CDKN2A (cyclin dependent kinase inhibitor 2A; minus strand). Cytogenetic location: 9p21.3.
Variant type: Deletion.
Coding change: c.132del on transcript NM_000077.5; coding-DNA position 132, one base deleted (C; older notation c.132delC).
Protein change: p.Ser43_Tyr44insTer.
Molecular consequence: frameshift variant, nonsense (on NM_000077.4). On other transcripts: intron variant (2).
Genome position (GRCh38, 1-based): chr9:21,974,696, G deleted on the plus strand (C on the coding strand, the reverse complement: CDKN2A is on the minus strand). VCF-style (leftmost placement, unchanged base first): chr9-21974695-CG-C. GRCh37 (hg19) VCF-style: chr9-21974694-CG-C.
Other names: c.132delC, p.Tyr44Terfs (NM_000077.4, NM_000077.6); c.132del, p.Ser43_Tyr44insTer (NM_001195132.2, NM_058197.5); c.-3-3488del (NM_001363763.2); c.194-3488del (NM_058195.4).
Identifiers: ClinVar variation 429111 (VCV000429111.13), dbSNP rs1131691187, ClinGen allele CA645369444.